The following is an entry in ClinVar:

ClinVar aggregate classification (germline): Conflicting classifications of pathogenicity. Review status: criteria provided, conflicting classifications (1 of 4 stars). 2 submissions from 2 submitters: Uncertain significance (1); Likely benign (1). Last evaluated 2025-12-07.

Conditions:
Cardiovascular phenotype. Identifiers: MedGen CN230736.
Osteogenesis imperfecta type I (OI1). Also called: Lobstein disease; Classic Non-deforming Osteogenesis Imperfecta with Blue Sclerae; OI, TYPE I; OSTEOGENESIS IMPERFECTA TARDA; OSTEOGENESIS IMPERFECTA WITH BLUE SCLERAE; Osteogenesis imperfecta type 1. Identifiers: Orphanet 216796, Orphanet 666, MedGen C0023931, MONDO:0008146, OMIM 166200. Disease mechanism: loss of function.

Allele frequency attached by ClinVar (database versions not stated): gnomAD exomes below 0.00001; gnomAD 0.00001; TOPMed 0.00002.
gnomAD v4.1: 5 of 1,613,980 alleles (0.00031%); highest among the groups gnomAD compares: East Asian, 0.0022%; no homozygotes.

Submissions (2):

Ambry Genetics
Classification: Uncertain significance for Cardiovascular phenotype. Last evaluated: 2025-12-07. Review status: criteria provided, single submitter. Criteria: Ambry Variant Classification Scheme 2023. Collection method: clinical testing. Allele origin: germline.
Comment: The p.V1374M variant (also known as c.4120G>A), located in coding exon 50 of the COL1A1 gene, results from a G to A substitution at nucleotide position 4120. The valine at codon 1374 is replaced by methionine, an amino acid with highly similar properties. This amino acid position is conserved. In addition, the in silico prediction for this alteration is inconclusive. Based on the available evidence, the clinical significance of this variant remains unclear.

Labcorp Genetics (formerly Invitae), Labcorp
Classification: Likely benign for Osteogenesis imperfecta type I. Last evaluated: 2023-10-13. Review status: criteria provided, single submitter. Criteria: Invitae Variant Classification Sherloc (09022015). Collection method: clinical testing. Allele origin: germline.

NM_000088.4(COL1A1):c.4120G>A (p.Val1374Met)

Gene: COL1A1 (collagen type I alpha 1 chain; minus strand). Cytogenetic location: 17q21.33.
Variant type: single nucleotide variant.
Coding change: c.4120G>A on transcript NM_000088.4 (MANE Select); coding-DNA position 4120, G replaced by A.
Protein change: p.Val1374Met; replaces valine 1374 with methionine.
Molecular consequence: missense variant.
Genome position (GRCh38, 1-based): chr17:50,185,906, C>T on the plus strand (G>A on the coding strand, the complement: COL1A1 is on the minus strand). VCF-style: chr17-50185906-C-T. GRCh37 (hg19) VCF-style: chr17-48263267-C-T.
Other names: c.4120G>A (NM_000088.3); short protein forms V1374M.
Identifiers: ClinVar variation 1402985 (VCV001402985.7), dbSNP rs954167907, ClinGen allele CA291542801.